The following is an entry in ClinVar:

ClinVar aggregate classification (germline): Uncertain significance. Review status: criteria provided, single submitter (1 of 4 stars). 2 submissions from 2 submitters: Uncertain significance (1). 1 of the submissions does not count toward it. Last evaluated 2025-05-06.

Conditions:
INSR-related disorder.
Inborn genetic diseases. Identifiers: MedGen C0950123, MeSH D030342.

gnomAD v4.1: 27 of 1,614,124 alleles (0.0017%); highest among the groups gnomAD compares: Middle Eastern, 0.033%; no homozygotes.

Submissions (2):

Ambry Genetics
Classification: Uncertain significance for Inborn genetic diseases. Last evaluated: 2025-05-06. Review status: criteria provided, single submitter. Criteria: Ambry Variant Classification Scheme 2023. Collection method: clinical testing. Allele origin: germline.

PreventionGenetics, part of Exact Sciences
Classification: Uncertain significance for INSR-related condition. Last evaluated: 2024-05-01. Review status: no assertion criteria provided. Collection method: clinical testing. Allele origin: germline. Not counted in ClinVar's aggregate classification.
Comment: The INSR c.553A>G variant is predicted to result in the amino acid substitution p.Ile185Val. To our knowledge, this variant has not been reported in the literature. This variant is reported in 0.0058% of alleles in individuals of Latino descent in gnomAD. At this time, the clinical significance of this variant is uncertain due to the absence of conclusive functional and genetic evidence.

NM_000208.4(INSR):c.553A>G (p.Ile185Val)

Gene: INSR (insulin receptor; minus strand). Cytogenetic location: 19p13.2.
Variant type: single nucleotide variant.
Coding change: c.553A>G on transcript NM_000208.4 (MANE Select); coding-DNA position 553, A replaced by G.
Protein change: p.Ile185Val; replaces isoleucine 185 with valine.
Molecular consequence: missense variant.
Genome position (GRCh38, 1-based): chr19:7,267,444, T>C on the plus strand (A>G on the coding strand, the complement: INSR is on the minus strand). VCF-style: chr19-7267444-T-C. GRCh37 (hg19) VCF-style: chr19-7267455-T-C.
Other names: c.553A>G, p.Ile185Val (NM_001079817.3); c.553A>G (NM_000208.2); short protein forms I185V.
Identifiers: ClinVar variation 3351735 (VCV003351735.2).